The following is an entry in ClinVar:

ClinVar aggregate classification (germline): Uncertain significance (1 of 4 stars; one submission).

Allele frequency attached by ClinVar (database versions not stated): gnomAD 0.00001; gnomAD exomes 0.00001; ExAC 0.00002.
gnomAD v4.1: 17 of 1,613,790 alleles (0.0011%); highest among the groups gnomAD compares: African/African-American, 0.0067%; no homozygotes.

Submission:

Labcorp Genetics (formerly Invitae), Labcorp
Classification: Uncertain significance. Last evaluated: 2022-05-18. Review status: criteria provided, single submitter. Criteria: Invitae Variant Classification Sherloc (09022015). Collection method: clinical testing. Allele origin: germline.
Comment: This variant has not been reported in the literature in individuals affected with SPEG-related conditions. This variant is present in population databases (rs756388642, gnomAD 0.007%). This sequence change replaces arginine, which is basic and polar, with tryptophan, which is neutral and slightly polar, at codon 1701 of the SPEG protein (p.Arg1701Trp). Algorithms developed to predict the effect of missense changes on protein structure and function are either unavailable or do not agree on the potential impact of this missense change (SIFT: "Deleterious"; PolyPhen-2: "Possibly Damaging"; Align-GVGD: "Class C0"). In summary, the available evidence is currently insufficient to determine the role of this variant in disease. Therefore, it has been classified as a Variant of Uncertain Significance.

NM_005876.5(SPEG):c.5101C>T (p.Arg1701Trp)

Gene: SPEG (striated muscle enriched protein kinase; plus strand). Cytogenetic location: 2q35.
Variant type: single nucleotide variant.
Coding change: c.5101C>T on transcript NM_005876.5 (MANE Select); coding-DNA position 5101, C replaced by T.
Protein change: p.Arg1701Trp; replaces arginine 1701 with tryptophan.
Molecular consequence: missense variant.
Genome position (GRCh38, 1-based): chr2:219,479,798, C>T. VCF-style: chr2-219479798-C-T. GRCh37 (hg19) VCF-style: chr2-220344520-C-T.
Other names: short protein forms R1701W.
Identifiers: ClinVar variation 2192705 (VCV002192705.4), dbSNP rs756388642, ClinGen allele CA2126741.